The following is an entry in ClinVar:

NM_002029.4(FPR1):c.379G>A (p.Val127Ile)

Gene: FPR1 (formyl peptide receptor 1; minus strand). Cytogenetic location: 19q13.41.
Variant type: single nucleotide variant.
Coding change: c.379G>A on transcript NM_002029.4 (MANE Select); coding-DNA position 379, G replaced by A.
Protein change: p.Val127Ile; replaces valine 127 with isoleucine.
Molecular consequence: missense variant.
Genome position (GRCh38, 1-based): chr19:51,746,616, C>T on the plus strand (G>A on the coding strand, the complement: FPR1 is on the minus strand). VCF-style: chr19-51746616-C-T. GRCh37 (hg19) VCF-style: chr19-52249869-C-T.
Other names: c.379G>A, p.Val127Ile (NM_001193306.2); short protein forms V127I.
Identifiers: ClinVar variation 652351 (VCV000652351.10), dbSNP rs186613919, ClinGen allele CA9616474.
Genomic context (GRCh38, chr19:51,746,616, plus strand): 5'-TGATCACCTTCTTGGCCAGGCTCACGGTGCGGTGGTTCTGGGTCCAGACTGGATGCAGGA[C>T]GCAAACACAGCGGTCCAGAGCAATGAGGGCGATCAGGAAGACACTTCCGAACAAGTTGAT-3'
Protein context (NP_002020.1, residues 117-137): ALIALDRCVC[Val127Ile]LHPVWTQNHR

ClinVar aggregate classification (germline): Uncertain significance (1 of 4 stars; one submission).

Conditions:
Gingival disorder. Also called: Gingival disease. Identifiers: MedGen C0017563, MONDO:0002021.

Allele frequency attached by ClinVar (database versions not stated): TOPMed 0.00018; gnomAD 0.00020 and 0.00022; 1000 Genomes Project 0.00100; 1000 Genomes Project 30x 0.00109; ExAC 0.00007; ESP Exome Variant Server 0.00015.
gnomAD v4.1: 61 of 1,614,090 alleles (0.0038%); highest among the groups gnomAD compares: African/African-American, 0.053%; no homozygotes.

Submission:

Labcorp Genetics (formerly Invitae), Labcorp
Classification: Uncertain significance for Gingival disorder. Last evaluated: 2025-10-18. Review status: criteria provided, single submitter. Criteria: Invitae Variant Classification Sherloc (09022015). Collection method: clinical testing. Allele origin: germline.
Comment: This sequence change replaces valine, which is neutral and non-polar, with isoleucine, which is neutral and non-polar, at codon 127 of the FPR1 protein (p.Val127Ile). This variant is present in population databases (rs186613919, gnomAD 0.08%), and has an allele count higher than expected for a pathogenic variant. This variant has not been reported in the literature in individuals affected with FPR1-related conditions. ClinVar contains an entry for this variant (Variation ID: 652351). An algorithm developed to predict the effect of missense changes on protein structure and function (PolyPhen-2) suggests that this variant is likely to be disruptive. In summary, the available evidence is currently insufficient to determine the role of this variant in disease. Therefore, it has been classified as a Variant of Uncertain Significance.